The following is an entry in ClinVar:

NM_000090.4(COL3A1):c.690+2T>A

Gene: COL3A1 (collagen type III alpha 1 chain; plus strand). Cytogenetic location: 2q32.2.
Variant type: single nucleotide variant.
Coding change: c.690+2T>A on transcript NM_000090.4 (MANE Select); the canonical splice donor site of the intron after coding-DNA position 690, T replaced by A.
Molecular consequence: splice donor variant.
Genome position (GRCh38, 1-based): chr2:188,989,451, T>A. VCF-style: chr2-188989451-T-A. GRCh37 (hg19) VCF-style: chr2-189854177-T-A.
Identifiers: ClinVar variation 101268 (VCV000101268.4), dbSNP rs587779497, ClinGen allele CA007273.
Genomic context (GRCh38, chr2:188,989,451, plus strand): 5'-TTCAGGGCCCTCCAGGACCTCCTGGTGCTATAGGTCCATCTGGTCCTGCTGGAAAAGATG[T>A]AAGTTTTTAAAACTTAAATAAGAATACAGCAAAATTTAACTTGGTGTATTCTAAACAGTA-3'

ClinVar aggregate classification (germline): Pathogenic. Review status: criteria provided, single submitter (1 of 4 stars). 2 submissions from 2 submitters: Pathogenic (1). 1 of the submissions does not count toward it. Last evaluated 2024-03-20.

Conditions:
Ehlers-Danlos syndrome, type 4 (EDSVASC). Also called: Ehlers-Danlos syndrome vascular type; Ehlers Danlos syndrome, ecchymotic type; Ehlers Danlos syndrome, arterial type; Ehlers Danlos syndrome, Sack-Barabas type; Ehlers-Danlos Syndrome Type IV. Identifiers: Orphanet 286, MedGen C0268338, MONDO:0017314, OMIM 130050.

Submissions (2):

Labcorp Genetics (formerly Invitae), Labcorp
Classification: Pathogenic for Ehlers-Danlos syndrome, type 4. Last evaluated: 2024-03-20. Review status: criteria provided, single submitter. Criteria: Invitae Variant Classification Sherloc (09022015). Collection method: clinical testing. Allele origin: germline.
Comment: This sequence change affects a donor splice site in intron 8 of the COL3A1 gene. It is expected to disrupt RNA splicing. Variants that disrupt the donor or acceptor splice site typically lead to a loss of protein function (PMID: 16199547), and loss-of-function variants in COL3A1 are known to be pathogenic (PMID: 24922459). This variant is not present in population databases (gnomAD no frequency). Disruption of this splice site has been observed in individuals with Ehlers-Danlos syndrome, vascular type (PMID: 9399899). ClinVar contains an entry for this variant (Variation ID: 101268). Algorithms developed to predict the effect of sequence changes on RNA splicing suggest that this variant may disrupt the consensus splice site. For these reasons, this variant has been classified as Pathogenic.

Collagen Diagnostic Laboratory, University of Washington
Classification: Pathogenic for Ehlers-Danlos syndrome, type 4. Review status: no assertion criteria provided. Collection method: clinical testing. Allele origin: germline. Affected: yes. Not counted in ClinVar's aggregate classification.

Literature cited by the submitters: PubMed 16199547 (cited by Labcorp Genetics (formerly Invitae), Labcorp); PubMed 24922459 (cited by Labcorp Genetics (formerly Invitae), Labcorp); PubMed 9399899 (cited by Labcorp Genetics (formerly Invitae), Labcorp and Collagen Diagnostic Laboratory, University of Washington); PubMed 10706896 (cited by Collagen Diagnostic Laboratory, University of Washington).